The following is an entry in ClinVar:

NM_004006.3(DMD):c.1703del (p.Gln568fs)

Gene: DMD (dystrophin; minus strand). Cytogenetic location: Xp21.1.
Variant type: Deletion.
Coding change: c.1703del on transcript NM_004006.3 (MANE Select); coding-DNA position 1703, one base deleted (A; older notation c.1703delA).
Protein change: p.Gln568fs; shifts the reading frame from glutamine 568.
Molecular consequence: frameshift variant.
Genome position (GRCh38, 1-based): chrX:32,573,746, T deleted on the plus strand (A on the coding strand, the reverse complement: DMD is on the minus strand). VCF-style (leftmost placement, unchanged base first): chrX-32573745-CT-C. GRCh37 (hg19) VCF-style: chrX-32591862-CT-C.
Other names: c.1679del, p.Gln560fs (NM_000109.4); c.1691del, p.Gln564fs (NM_004009.3); c.1334del, p.Gln445fs (NM_004010.3); short protein forms Q560fs, Q564fs, Q445fs, Q568fs.
Identifiers: ClinVar variation 853071 (VCV000853071.8), dbSNP rs2052700227, ClinGen allele CA916081260.

ClinVar aggregate classification (germline): Pathogenic (1 of 4 stars; one submission).

Conditions:
Duchenne muscular dystrophy (DMD). Also called: Duchenne Muscular Dystrophy (DMD); MUSCULAR DYSTROPHY, PSEUDOHYPERTROPHIC PROGRESSIVE, DUCHENNE TYPE. Identifiers: Orphanet 98896, MedGen C0013264, MONDO:0010679, OMIM 310200.

Submission:

Labcorp Genetics (formerly Invitae), Labcorp
Classification: Pathogenic for Duchenne muscular dystrophy. Last evaluated: 2025-08-18. Review status: criteria provided, single submitter. Criteria: Invitae Variant Classification Sherloc (09022015). Collection method: clinical testing. Allele origin: germline.
Comment: This sequence change creates a premature translational stop signal (p.Gln568Argfs*15) in the DMD gene. It is expected to result in an absent or disrupted protein product. Loss-of-function variants in DMD are known to be pathogenic (PMID: 16770791, 25007885). This variant is not present in population databases (gnomAD no frequency). This premature translational stop signal has been observed in individual(s) with clinical features of dystrophinopathy (internal data). ClinVar contains an entry for this variant (Variation ID: 853071). Algorithms developed to predict the effect of sequence changes on RNA splicing suggest that this variant may disrupt the consensus splice site. For these reasons, this variant has been classified as Pathogenic.

Literature cited by the submitters: PubMed 16770791; PubMed 25007885.